The following is an entry in ClinVar:

NM_002860.4(ALDH18A1):c.306A>G (p.Val102=)

Gene: ALDH18A1 (aldehyde dehydrogenase 18 family member A1; minus strand). Cytogenetic location: 10q24.1.
Variant type: single nucleotide variant.
Coding change: c.306A>G on transcript NM_002860.4 (MANE Select); coding-DNA position 306, A replaced by G.
Protein change: p.Val102=; no amino-acid change (valine 102 retained).
Molecular consequence: synonymous variant. On other transcripts: 5 prime UTR variant (3), intron variant (1).
Genome position (GRCh38, 1-based): chr10:95,637,434, T>C on the plus strand (A>G on the coding strand, the complement: ALDH18A1 is on the minus strand). VCF-style: chr10-95637434-T-C. GRCh37 (hg19) VCF-style: chr10-97397191-T-C.
Other names: c.306A>G, p.Val102= (NM_001017423.2, NM_001323413.2, NM_001323414.2 and 2 more transcripts); c.-28A>G (NM_001323412.2, NM_001323416.2, NM_001323418.2); c.-78-3785A>G (NM_001323419.2).
Identifiers: ClinVar variation 784845 (VCV000784845.31), dbSNP rs773545430, ClinGen allele CA5620626.

ClinVar aggregate classification (germline): Likely benign. Review status: criteria provided, multiple submitters, no conflicts (2 of 4 stars). 2 submissions from 2 submitters: Likely benign (2). Last evaluated 2025-06-22.

Conditions:
Autosomal dominant spastic paraplegia type 9. Identifiers: MedGen C1832669, MONDO:0015091.
de Barsy syndrome. Also called: Cutis laxa-corneal clouding-oligophrenia syndrome. Identifiers: Orphanet 2962, MedGen C0268354, MONDO:0017569.
Cutis laxa, autosomal dominant 3 (ADCL3). Identifiers: Orphanet 90348, MedGen C4225268, MONDO:0014706, OMIM 616603.

Allele frequency attached by ClinVar (database versions not stated): gnomAD exomes 0.00001 and 0.00002; TOPMed below 0.00001; ExAC 0.00001; gnomAD 0.00001.
gnomAD v4.1: 31 of 1,614,004 alleles (0.0019%); highest among the groups gnomAD compares: Non-Finnish European, 0.0026%; no homozygotes.

Submissions (2):

Labcorp Genetics (formerly Invitae), Labcorp
Classification: Likely benign for Autosomal dominant spastic paraplegia type 9; de Barsy syndrome; Cutis laxa, autosomal dominant 3. Last evaluated: 2025-06-22. Review status: criteria provided, single submitter. Criteria: Invitae Variant Classification Sherloc (09022015). Collection method: clinical testing. Allele origin: germline.

CeGaT Center for Human Genetics Tuebingen
Classification: Likely benign. Last evaluated: 2022-11-01. Review status: criteria provided, single submitter. Criteria: CeGaT Center For Human Genetics Tuebingen Variant Classification Criteria Version 2. Collection method: clinical testing. Allele origin: germline. Affected: yes. Observed: 1 variant allele.
Comment: ALDH18A1: BP4, BP7